The following is an entry in ClinVar:

NM_003721.4(RFXANK):c.*9T>C

Genes: NR2C2AP (nuclear receptor 2C2 associated protein; minus strand), RFXANK (regulatory factor X associated ankyrin containing protein; plus strand). Cytogenetic location: 19p13.11.
Variant type: single nucleotide variant.
Coding change: c.*9T>C on transcript NM_003721.4 (MANE Select); 9 bases downstream of the stop codon, T replaced by C.
Molecular consequence: 3 prime UTR variant. On other transcripts: intron variant (1).
Genome position (GRCh38, 1-based): chr19:19,201,728, T>C. VCF-style: chr19-19201728-T-C. GRCh37 (hg19) VCF-style: chr19-19312537-T-C.
Other names: c.*197A>G (NM_176880.6); c.*9T>C (NM_001278727.2, NM_001278728.2, NM_001370233.1 and 6 more transcripts); c.415-165A>G (NM_001300945.2).
Identifiers: ClinVar variation 328650 (VCV000328650.8), dbSNP rs73922832, ClinGen allele CA9322964.
Genomic context (GRCh38, chr19:19,201,728, plus strand): 5'-CCACATCCTCAAGCTCTTCCAGAGCAACCTGGTGCCCGCTGACCCTGAGTGAAGGCCGCC[T>C]GCCGGGGACTCAGACACTCAGGGAACAAAATGGTCAGCCAGAGCTGGGGAAACCCAGAAC-3'

ClinVar aggregate classification (germline): Benign. Review status: criteria provided, single submitter (1 of 4 stars). 2 submissions from 2 submitters: Benign (1). 1 of the submissions does not count toward it. Last evaluated 2026-01-21.

Conditions:
RFXANK-related disorder. Also called: RFXANK-related condition.

Allele frequency attached by ClinVar (database versions not stated): gnomAD exomes 0.00286 and 0.00761; ExAC 0.00935; gnomAD 0.02806 and 0.03001; TOPMed 0.03158; 1000 Genomes Project 0.03375; ESP Exome Variant Server 0.03560; 1000 Genomes Project 30x 0.03685.
gnomAD v4.1: 8,608 of 1,613,872 alleles (0.53%); highest among the groups gnomAD compares: African/African-American, 10%; 388 homozygotes.

Submissions (2):

Women's Health and Genetics/Laboratory Corporation of America, LabCorp
Classification: Benign. Last evaluated: 2026-01-21. Review status: criteria provided, single submitter. Criteria: LabCorp Variant Classification Summary - May 2015. Collection method: clinical testing. Allele origin: germline.

PreventionGenetics, part of Exact Sciences
Classification: Benign for RFXANK-related condition. Last evaluated: 2019-07-01. Review status: no assertion criteria provided. Collection method: clinical testing. Allele origin: germline. Not counted in ClinVar's aggregate classification.
Comment: This variant is classified as benign based on ACMG/AMP sequence variant interpretation guidelines (Richards et al. 2015 PMID: 25741868, with internal and published modifications).